The following is an entry in ClinVar:

NM_000229.2(LCAT):c.259G>T (p.Asp87Tyr)

Gene: LCAT (lecithin-cholesterol acyltransferase; minus strand). Cytogenetic location: 16q22.1.
Variant type: single nucleotide variant.
Coding change: c.259G>T on transcript NM_000229.2 (MANE Select); coding-DNA position 259, G replaced by T.
Protein change: p.Asp87Tyr; replaces aspartic acid 87 with tyrosine.
Molecular consequence: missense variant.
Genome position (GRCh38, 1-based): chr16:67,943,108, C>A on the plus strand (G>T on the coding strand, the complement: LCAT is on the minus strand). VCF-style: chr16-67943108-C-A. GRCh37 (hg19) VCF-style: chr16-67977011-C-A.
Other names: short protein forms D87Y.
Identifiers: ClinVar variation 1793623 (VCV001793623.2), dbSNP rs2544407421, ClinGen allele CA396381575.

ClinVar aggregate classification (germline): Uncertain significance (1 of 4 stars; one submission).

Conditions:
Cardiovascular phenotype. Identifiers: MedGen CN230736.

gnomAD v4.1: 2 of 1,614,018 alleles (0.00012%); highest among the groups gnomAD compares: Non-Finnish European, 0.00017%; no homozygotes.

Submission:

Ambry Genetics
Classification: Uncertain significance for Cardiovascular phenotype. Last evaluated: 2021-02-10. Review status: criteria provided, single submitter. Criteria: Ambry Variant Classification Scheme 2023. Collection method: clinical testing. Allele origin: germline.
Comment: The p.D87Y variant (also known as c.259G>T), located in coding exon 2 of the LCAT gene, results from a G to T substitution at nucleotide position 259. The aspartic acid at codon 87 is replaced by tyrosine, an amino acid with highly dissimilar properties. This amino acid position is not well conserved in available vertebrate species. In addition, this alteration is predicted to be deleterious by in silico analysis. Since supporting evidence is limited at this time, the clinical significance of this alteration remains unclear.